The following is an entry in ClinVar:

ClinVar aggregate classification (germline): Conflicting classifications of pathogenicity. Review status: criteria provided, conflicting classifications (1 of 4 stars). 4 submissions from 4 submitters: Uncertain significance (1); Likely benign (3). Last evaluated 2025-02-26.

Conditions:
Inborn genetic diseases. Identifiers: MedGen C0950123, MeSH D030342.
Developmental and epileptic encephalopathy, 14 (DEE14). Also called: Early infantile epileptic encephalopathy 14. Identifiers: Orphanet 293181, MedGen C3554195, MONDO:0013989, OMIM 614959.
Autosomal dominant nocturnal frontal lobe epilepsy 5. Also called: CILIARY DYSKINESIA, PRIMARY, 28, WITH SITUS INVERSUS; CILIARY DYSKINESIA, PRIMARY, 28, WITHOUT SITUS INVERSUS; Epilepsy, nocturnal frontal lobe, 5; KCNT1-Related Epilepsy. Identifiers: Orphanet 98784, MedGen C3554306, MONDO:0014002, OMIM 615005.

Allele frequency attached by ClinVar (database versions not stated): ESP Exome Variant Server 0.00008; TOPMed 0.00008; gnomAD exomes 0.00009; ExAC 0.00010.
gnomAD v4.1: 146 of 1,550,890 alleles (0.0094%); highest among the groups gnomAD compares: Non-Finnish European, 0.0085%; no homozygotes.

Submissions (4):

Labcorp Genetics (formerly Invitae), Labcorp
Classification: Likely benign for Autosomal dominant nocturnal frontal lobe epilepsy 5; Developmental and epileptic encephalopathy, 14. Last evaluated: 2025-02-26. Review status: criteria provided, single submitter. Criteria: Invitae Variant Classification Sherloc (09022015). Collection method: clinical testing. Allele origin: germline.

Blueprint Genetics
Classification: Likely benign. Last evaluated: 2024-09-25. Review status: criteria provided, single submitter. Criteria: ACMG Guidelines, 2015. Collection method: clinical testing. Allele origin: germline.

Ambry Genetics
Classification: Likely benign for Inborn genetic diseases. Last evaluated: 2024-01-16. Review status: criteria provided, single submitter. Criteria: Ambry Variant Classification Scheme 2023. Collection method: clinical testing. Allele origin: germline.

GeneDx
Classification: Uncertain significance. Last evaluated: 2020-03-19. Review status: criteria provided, single submitter. Criteria: GeneDx Variant Classification Process June 2021. Collection method: clinical testing. Allele origin: germline. Affected: yes.
Comment: In silico analysis supports that this missense variant has a deleterious effect on protein structure/function; Has not been previously published as pathogenic or benign to our knowledge

NM_020822.3(KCNT1):c.2527G>A (p.Asp843Asn)

Gene: KCNT1 (potassium sodium-activated channel subfamily T member 1; plus strand). Cytogenetic location: 9q34.3.
Variant type: single nucleotide variant.
Coding change: c.2527G>A on transcript NM_020822.3 (MANE Select); coding-DNA position 2527, G replaced by A.
Protein change: p.Asp843Asn; replaces aspartic acid 843 with asparagine.
Molecular consequence: missense variant.
Genome position (GRCh38, 1-based): chr9:135,778,428, G>A. VCF-style: chr9-135778428-G-A. GRCh37 (hg19) VCF-style: chr9-138670274-G-A.
Other names: c.2392G>A, p.Asp798Asn (NM_001272003.2); short protein forms D798N, D843N.
Identifiers: ClinVar variation 833602 (VCV000833602.15), dbSNP rs376758763, ClinGen allele CA5327339.